The following is an entry in ClinVar:

ClinVar aggregate classification (germline): Uncertain significance (1 of 4 stars; one submission).

gnomAD v4.1: 38 of 1,539,230 alleles (0.0025%); highest among the groups gnomAD compares: East Asian, 0.0068%; no homozygotes.

Submission:

Labcorp Genetics (formerly Invitae), Labcorp
Classification: Uncertain significance. Last evaluated: 2025-06-23. Review status: criteria provided, single submitter. Criteria: Invitae Variant Classification Sherloc (09022015). Collection method: clinical testing. Allele origin: germline.
Comment: This sequence change replaces arginine, which is basic and polar, with glutamine, which is neutral and polar, at codon 288 of the MAP3K8 protein (p.Arg288Gln). This variant is present in population databases (rs779977265, gnomAD 0.004%). This variant has not been reported in the literature in individuals affected with MAP3K8-related conditions. An algorithm developed to predict the effect of missense changes on protein structure and function (PolyPhen-2) suggests that this variant is likely to be tolerated. In summary, the available evidence is currently insufficient to determine the role of this variant in disease. Therefore, it has been classified as a Variant of Uncertain Significance.

NM_005204.4(MAP3K8):c.863G>A (p.Arg288Gln)

Gene: MAP3K8 (mitogen-activated protein kinase kinase kinase 8; plus strand). Cytogenetic location: 10p11.23.
Variant type: single nucleotide variant.
Coding change: c.863G>A on transcript NM_005204.4 (MANE Select); coding-DNA position 863, G replaced by A.
Protein change: p.Arg288Gln; replaces arginine 288 with glutamine.
Molecular consequence: missense variant.
Genome position (GRCh38, 1-based): chr10:30,451,734, G>A. VCF-style: chr10-30451734-G-A. GRCh37 (hg19) VCF-style: chr10-30740663-G-A.
Other names: c.863G>A, p.Arg288Gln (NM_001244134.1, NM_001320961.2); short protein forms R288Q.
Identifiers: ClinVar variation 4752545 (VCV004752545.1).